The following is an entry in ClinVar:

ClinVar aggregate classification (germline): Likely pathogenic (0 of 4 stars; one submission).

Conditions:
Duchenne muscular dystrophy (DMD). Also called: MUSCULAR DYSTROPHY, PSEUDOHYPERTROPHIC PROGRESSIVE, DUCHENNE TYPE; Duchenne Muscular Dystrophy (DMD). Identifiers: Orphanet 98896, MedGen C0013264, MONDO:0010679, OMIM 310200.

Submission:

Foundation for Research in Genetics and Endocrinology, FRIGE's Institute of Human Genetics
Classification: Likely pathogenic for Duchenne muscular dystrophy. Last evaluated: 2014-06-26. Review status: no assertion criteria provided. Collection method: clinical testing. Allele origin: germline. Inheritance: X-linked recessive inheritance. Affected: yes. Observed: 1 hemizygote.
Comment: The observed variant is not reported in 1000 Genomes and ExAC databases. The in silico prediction of the variant is damaging by MutationTaster2.

NM_004006.2:c.94_3786dup

Gene: DMD (dystrophin; minus strand). Cytogenetic location: Xp21.2-21.1.
Variant type: Duplication.
Identifiers: ClinVar variation 617563 (VCV000617563.2).